The following is an entry in ClinVar:

ClinVar aggregate classification (germline): Uncertain significance. Review status: criteria provided, multiple submitters, no conflicts (2 of 4 stars). 2 submissions from 2 submitters: Uncertain significance (2). Last evaluated 2024-03-31.

Conditions:
Nephronophthisis 15 (NPHP15). Identifiers: Orphanet 3156, MedGen C3541853, MONDO:0013917, OMIM 614845.

gnomAD v4.1: 1 of 1,523,978 alleles (0.000066%); highest among the groups gnomAD compares: Non-Finnish European, 0.000088%; no homozygotes.

Submissions (2):

Fulgent Genetics
Classification: Uncertain significance for Nephronophthisis 15. Last evaluated: 2024-03-31. Review status: criteria provided, single submitter. Criteria: ACMG Guidelines, 2015. Collection method: clinical testing. Allele origin: germline.

Labcorp Genetics (formerly Invitae), Labcorp
Classification: Uncertain significance for Nephronophthisis 15. Last evaluated: 2024-02-24. Review status: criteria provided, single submitter. Criteria: Invitae Variant Classification Sherloc (09022015). Collection method: clinical testing. Allele origin: germline.
Comment: This sequence change replaces leucine, which is neutral and non-polar, with proline, which is neutral and non-polar, at codon 518 of the CEP164 protein (p.Leu518Pro). This variant is not present in population databases (gnomAD no frequency). This variant has not been reported in the literature in individuals affected with CEP164-related conditions. ClinVar contains an entry for this variant (Variation ID: 1714571). Algorithms developed to predict the effect of missense changes on protein structure and function output the following: SIFT: "Not Available"; PolyPhen-2: "Benign"; Align-GVGD: "Not Available". The proline amino acid residue is found in multiple mammalian species, which suggests that this missense change does not adversely affect protein function. In summary, the available evidence is currently insufficient to determine the role of this variant in disease. Therefore, it has been classified as a Variant of Uncertain Significance.

NM_014956.5(CEP164):c.1553T>C (p.Leu518Pro)

Gene: CEP164 (centrosomal protein 164; plus strand). Cytogenetic location: 11q23.3.
Variant type: single nucleotide variant.
Coding change: c.1553T>C on transcript NM_014956.5 (MANE Select); coding-DNA position 1553, T replaced by C.
Protein change: p.Leu518Pro; replaces leucine 518 with proline.
Molecular consequence: missense variant.
Genome position (GRCh38, 1-based): chr11:117,381,844, T>C. VCF-style: chr11-117381844-T-C. GRCh37 (hg19) VCF-style: chr11-117252560-T-C.
Other names: c.1562T>C, p.Leu521Pro (NM_001271933.2); short protein forms L518P, L521P.
Identifiers: ClinVar variation 1714571 (VCV001714571.6), dbSNP rs2541570029, ClinGen allele CA382743267.